The following is an entry in ClinVar:

NM_006922.4(SCN3A):c.3587G>A (p.Arg1196Gln)

Gene: SCN3A (sodium voltage-gated channel alpha subunit 3; minus strand). Cytogenetic location: 2q24.3.
Variant type: single nucleotide variant.
Coding change: c.3587G>A on transcript NM_006922.4 (MANE Select); coding-DNA position 3587, G replaced by A.
Protein change: p.Arg1196Gln; replaces arginine 1196 with glutamine.
Molecular consequence: missense variant.
Genome position (GRCh38, 1-based): chr2:165,113,898, C>T on the plus strand (G>A on the coding strand, the complement: SCN3A is on the minus strand). VCF-style: chr2-165113898-C-T. GRCh37 (hg19) VCF-style: chr2-165970408-C-T.
Other names: c.3440G>A, p.Arg1147Gln (NM_001081676.2, NM_001081677.2); short protein forms R1196Q, R1147Q.
Identifiers: ClinVar variation 941317 (VCV000941317.9), dbSNP rs767542222, ClinGen allele CA1938753.

ClinVar aggregate classification (germline): Uncertain significance (1 of 4 stars; one submission).

Allele frequency attached by ClinVar (database versions not stated): ExAC 0.00001; gnomAD 0.00001; gnomAD exomes 0.00001; TOPMed 0.00002.
gnomAD v4.1: 8 of 1,613,484 alleles (0.0005%); highest among the groups gnomAD compares: African/African-American, 0.004%; no homozygotes.

Submission:

Labcorp Genetics (formerly Invitae), Labcorp
Classification: Uncertain significance. Last evaluated: 2025-06-29. Review status: criteria provided, single submitter. Criteria: Invitae Variant Classification Sherloc (09022015). Collection method: clinical testing. Allele origin: germline.
Comment: This sequence change replaces arginine, which is basic and polar, with glutamine, which is neutral and polar, at codon 1196 of the SCN3A protein (p.Arg1196Gln). This variant is present in population databases (rs767542222, gnomAD 0.01%). This variant has not been reported in the literature in individuals affected with SCN3A-related conditions. ClinVar contains an entry for this variant (Variation ID: 941317). Invitae Evidence Modeling of protein sequence and biophysical properties (such as structural, functional, and spatial information, amino acid conservation, physicochemical variation, residue mobility, and thermodynamic stability) indicates that this missense variant is expected to disrupt SCN3A protein function with a positive predictive value of 80%. In summary, the available evidence is currently insufficient to determine the role of this variant in disease. Therefore, it has been classified as a Variant of Uncertain Significance.